The following is an entry in ClinVar:

ClinVar aggregate classification (germline): Likely pathogenic (1 of 4 stars; one submission).

Conditions:
Autosomal recessive nonsyndromic hearing loss 4 (DFNB4). Also called: Deafness, autosomal recessive 4; FOXI1-Related Pendred Syndrome; KCNJ10-Related Pendred Syndrome; DEAFNESS, AUTOSOMAL RECESSIVE 4, WITH ENLARGED VESTIBULAR AQUEDUCT, DIGENIC; NEUROSENSORY NONSYNDROMIC RECESSIVE DEAFNESS 4; Nonsyndromic enlarged vestibular aqueduct (NSEVA). Identifiers: Orphanet 90636, MedGen C3538946, MONDO:0010933, OMIM 600791.

Submission:

Institute of Rare Diseases, West China Hospital, Sichuan University
Classification: Likely pathogenic for Autosomal recessive nonsyndromic hearing loss 4. Last evaluated: 2025-01-09. Review status: criteria provided, single submitter. Criteria: ClinGen HL ACMG Specifications v1. Collection method: research. Allele origin: germline. Affected: yes.
Comment: PM3_Strong;PM2_Supporting;PM4

NM_000441.2(SLC26A4):c.788_814dup (p.Asp271_Phe272insTyrIleGlyAspThrAsnLeuAlaAsp)

Gene: SLC26A4 (solute carrier family 26 member 4; plus strand). Cytogenetic location: 7q22.3.
Variant type: Duplication.
Coding change: c.788_814dup on transcript NM_000441.2 (MANE Select); coding-DNA positions 788 to 814, 27 bases duplicated (ATATTGGTGATACCAATCTTGCTGATT).
Protein change: p.Asp271_Phe272insTyrIleGlyAspThrAsnLeuAlaAsp.
Genome position (GRCh38, 1-based): chr7:107,683,224-107,683,250, ATATTGGTGATACCAATCTTGCTGATT duplicated. VCF-style (leftmost placement, unchanged base first): chr7-107683223-A-AATATTGGTGATACCAATCTTGCTGATT. GRCh37 (hg19) VCF-style: chr7-107323668-A-AATATTGGTGATACCAATCTTGCTGATT.
Identifiers: ClinVar variation 3601782 (VCV003601782.1).
Genomic context (GRCh38, chr7:107,683,223, plus strand): 5'-TAGCAGCAGGAAGTATATAAAATTATTTTCTTTTTATAGACGCTGGTTGAGATTTTTCAA[A>AATATTGGTGATACCAATCTTGCTGATT]ATATTGGTGATACCAATCTTGCTGATTTCACTGCTGGATTGCTCACCATTGTCGTCTGTA-3'